The following is an entry in ClinVar:

ClinVar aggregate classification (germline): Uncertain significance. Review status: criteria provided, multiple submitters, no conflicts (2 of 4 stars). 4 submissions from 4 submitters: Uncertain significance (4). Last evaluated 2025-10-08.

Conditions:
Inborn genetic diseases. Identifiers: MedGen C0950123, MeSH D030342.
Asphyxiating thoracic dystrophy 5 (SRTD5). Also called: SHORT-RIB THORACIC DYSPLASIA 5 WITH OR WITHOUT POLYDACTYLY; SHORT-RIB THORACIC DYSPLASIA 5 WITHOUT POLYDACTYLY. Identifiers: Orphanet 474, MedGen C3280598, MONDO:0013717, OMIM 614376.
Senior-Loken syndrome 8 (SLSN8). Identifiers: Orphanet 3156, MedGen C4225376, MONDO:0014579, OMIM 616307.

Allele frequency attached by ClinVar (database versions not stated): gnomAD 0.00001; TOPMed 0.00002; ExAC 0.00003; gnomAD exomes 0.00003.
gnomAD v4.1: 39 of 1,576,582 alleles (0.0025%); highest among the groups gnomAD compares: South Asian, 0.0059%; 1 homozygote.

Submissions (4):

Labcorp Genetics (formerly Invitae), Labcorp
Classification: Uncertain significance for Senior-Loken syndrome 8; Asphyxiating thoracic dystrophy 5. Last evaluated: 2025-10-08. Review status: criteria provided, single submitter. Criteria: Invitae Variant Classification Sherloc (09022015). Collection method: clinical testing. Allele origin: germline.
Comment: This sequence change replaces aspartic acid, which is acidic and polar, with asparagine, which is neutral and polar, at codon 523 of the WDR19 protein (p.Asp523Asn). The frequency data for this variant in the population databases is considered unreliable, as metrics indicate poor data quality at this position in the gnomAD database. This variant has not been reported in the literature in individuals affected with WDR19-related conditions. ClinVar contains an entry for this variant (Variation ID: 1021136). Invitae Evidence Modeling of protein sequence and biophysical properties (such as structural, functional, and spatial information, amino acid conservation, physicochemical variation, residue mobility, and thermodynamic stability) indicates that this missense variant is not expected to disrupt WDR19 protein function with a negative predictive value of 80%. In summary, the available evidence is currently insufficient to determine the role of this variant in disease. Therefore, it has been classified as a Variant of Uncertain Significance.

Ambry Genetics
Classification: Uncertain significance for Inborn genetic diseases. Last evaluated: 2025-01-26. Review status: criteria provided, single submitter. Criteria: Ambry Variant Classification Scheme 2023. Collection method: clinical testing. Allele origin: germline.

Blueprint Genetics
Classification: Uncertain significance. Last evaluated: 2024-01-10. Review status: criteria provided, single submitter. Criteria: ACMG Guidelines, 2015. Collection method: clinical testing. Allele origin: germline.

GeneDx
Classification: Uncertain significance. Last evaluated: 2023-06-12. Review status: criteria provided, single submitter. Criteria: GeneDx Variant Classification Process June 2021. Collection method: clinical testing. Allele origin: germline. Affected: yes.
Comment: Has not been previously published as pathogenic or benign to our knowledge; In silico analysis supports that this missense variant has a deleterious effect on protein structure/function

NM_025132.4(WDR19):c.1567G>A (p.Asp523Asn)

Gene: WDR19 (WD repeat domain 19; plus strand). Cytogenetic location: 4p14.
Variant type: single nucleotide variant.
Coding change: c.1567G>A on transcript NM_025132.4 (MANE Select); coding-DNA position 1567, G replaced by A.
Protein change: p.Asp523Asn; replaces aspartic acid 523 with asparagine.
Molecular consequence: missense variant.
Genome position (GRCh38, 1-based): chr4:39,224,971, G>A. VCF-style: chr4-39224971-G-A. GRCh37 (hg19) VCF-style: chr4-39226591-G-A.
Other names: c.1567G>A (NM_025132.3); c.1087G>A, p.Asp363Asn (NM_001317924.2); short protein forms D363N, D523N.
Identifiers: ClinVar variation 1021136 (VCV001021136.9), dbSNP rs557405566, ClinGen allele CA2891883.